The following is an entry in ClinVar:

ClinVar aggregate classification (germline): Likely benign. Review status: criteria provided, single submitter (1 of 4 stars). 3 submissions from 3 submitters: Likely benign (1). 2 of the submissions do not count toward it. Last evaluated 2025-07-06.

Conditions:
CHD7-related disorder. Also called: CHD7-related condition.
CHARGE syndrome (CHARGE). Also called: Hittner Hirsch Kreh syndrome; Coloboma, heart anomaly, choanal atresia, retardation, genital and ear anomalies; CHARGE association; Hall-Hittner syndrome; CHARGE ASSOCIATION--COLOBOMA, HEART ANOMALY, CHOANAL ATRESIA, RETARDATION, GENITAL AND EAR ANOMALIES. Identifiers: Orphanet 138, MedGen C0265354, MONDO:0008965.
Intellectual disability. Also called: Intellectual developmental disorder; Intellectual functioning disability; intellectual disabilities. Identifiers: MedGen C3714756, MeSH D008607, MONDO:0001071, HP:0001249.

Allele frequency attached by ClinVar (database versions not stated): gnomAD exomes 0.00001; ExAC 0.00002.
gnomAD v4.1: 8 of 1,611,866 alleles (0.0005%); highest among the groups gnomAD compares: Non-Finnish European, 0.00059%; no homozygotes.

Submissions (3):

Labcorp Genetics (formerly Invitae), Labcorp
Classification: Likely benign for CHARGE syndrome. Last evaluated: 2025-07-06. Review status: criteria provided, single submitter. Criteria: Invitae Variant Classification Sherloc (09022015). Collection method: clinical testing. Allele origin: germline.

PreventionGenetics, part of Exact Sciences
Classification: Uncertain significance for CHD7-related condition. Last evaluated: 2024-02-01. Review status: no assertion criteria provided. Collection method: clinical testing. Allele origin: germline. Not counted in ClinVar's aggregate classification.
Comment: The CHD7 c.8425G>A variant is predicted to result in the amino acid substitution p.Val2809Met. To our knowledge, this variant has not been reported in the literature. This variant is reported in 0.0018% of alleles in individuals of European (Non-Finnish) descent in gnomAD. At this time, the clinical significance of this variant is uncertain due to the absence of conclusive functional and genetic evidence.

Centre de Biologie Pathologie Génétique, Centre Hospitalier Universitaire de Lille
Classification: Likely benign for Intellectual disability. Last evaluated: 2019-01-01. Review status: no assertion criteria provided. Collection method: clinical testing. Allele origin: inherited. Affected: yes. Not counted in ClinVar's aggregate classification.

NM_017780.4(CHD7):c.8425G>A (p.Val2809Met)

Gene: CHD7 (chromodomain helicase DNA binding protein 7; plus strand). Cytogenetic location: 8q12.2.
Variant type: single nucleotide variant.
Coding change: c.8425G>A on transcript NM_017780.4 (MANE Select); coding-DNA position 8425, G replaced by A.
Protein change: p.Val2809Met; replaces valine 2809 with methionine.
Molecular consequence: missense variant.
Genome position (GRCh38, 1-based): chr8:60,865,364, G>A. VCF-style: chr8-60865364-G-A. GRCh37 (hg19) VCF-style: chr8-61777923-G-A.
Other names: c.2278G>A, p.Val760Met (NM_001316690.1); short protein forms V2809M, V760M.
Identifiers: ClinVar variation 975202 (VCV000975202.5), dbSNP rs763048936, ClinGen allele CA4761013.